The following is an entry in ClinVar:

ClinVar aggregate classification (germline): Uncertain significance (1 of 4 stars; one submission).

Allele frequency attached by ClinVar (database versions not stated): TOPMed below 0.00001; gnomAD exomes 0.00001; ExAC 0.00002.
gnomAD v4.1: 13 of 1,614,062 alleles (0.00081%); highest among the groups gnomAD compares: South Asian, 0.0066%; no homozygotes.

Submission:

Labcorp Genetics (formerly Invitae), Labcorp
Classification: Uncertain significance. Last evaluated: 2022-01-03. Review status: criteria provided, single submitter. Criteria: Invitae Variant Classification Sherloc (09022015). Collection method: clinical testing. Allele origin: germline.
Comment: In summary, the available evidence is currently insufficient to determine the role of this variant in disease. Therefore, it has been classified as a Variant of Uncertain Significance. Advanced modeling of protein sequence and biophysical properties (such as structural, functional, and spatial information, amino acid conservation, physicochemical variation, residue mobility, and thermodynamic stability) performed at Invitae indicates that this missense variant is not expected to disrupt ABCC6 protein function. This variant has not been reported in the literature in individuals affected with ABCC6-related conditions. This variant is present in population databases (rs751173976, gnomAD 0.006%). This sequence change replaces alanine, which is neutral and non-polar, with valine, which is neutral and non-polar, at codon 1152 of the ABCC6 protein (p.Ala1152Val).

NM_001171.6(ABCC6):c.3455C>T (p.Ala1152Val)

Gene: ABCC6 (ATP binding cassette subfamily C member 6; minus strand). Cytogenetic location: 16p13.11.
Variant type: single nucleotide variant.
Coding change: c.3455C>T on transcript NM_001171.6 (MANE Select); coding-DNA position 3455, C replaced by T.
Protein change: p.Ala1152Val; replaces alanine 1152 with valine.
Molecular consequence: missense variant.
Genome position (GRCh38, 1-based): chr16:16,163,044, G>A on the plus strand (C>T on the coding strand, the complement: ABCC6 is on the minus strand). VCF-style: chr16-16163044-G-A. GRCh37 (hg19) VCF-style: chr16-16256901-G-A.
Other names: c.3113C>T, p.Ala1038Val (NM_001351800.1); short protein forms A1038V, A1152V.
Identifiers: ClinVar variation 1953984 (VCV001953984.5), dbSNP rs751173976, ClinGen allele CA7925581.